The following is an entry in ClinVar:

ClinVar aggregate classification (germline): Conflicting classifications of pathogenicity. Review status: criteria provided, conflicting classifications (1 of 4 stars). 3 submissions from 3 submitters: Uncertain significance (2); Likely benign (1). Last evaluated 2026-01-05.

Conditions:
Hereditary cancer-predisposing syndrome. Also called: Neoplastic Syndromes, Hereditary; Tumor predisposition; Hereditary Cancer Syndrome; Hereditary neoplastic syndrome. Identifiers: Orphanet 140162, MedGen C0027672, MeSH D009386, MONDO:0015356.
Hereditary nonpolyposis colorectal neoplasms. Identifiers: MedGen C0009405, MeSH D003123.

Allele frequency attached by ClinVar (database versions not stated): gnomAD exomes below 0.00001 and 0.00001.
gnomAD v4.1: 3 of 1,614,034 alleles (0.00019%); highest among the groups gnomAD compares: Admixed American, 0.0033%; no homozygotes.

Submissions (3):

Labcorp Genetics (formerly Invitae), Labcorp
Classification: Likely benign for Hereditary nonpolyposis colorectal neoplasms. Last evaluated: 2026-01-05. Review status: criteria provided, single submitter. Criteria: Invitae Variant Classification Sherloc (09022015). Collection method: clinical testing. Allele origin: germline.

GeneDx
Classification: Uncertain significance. Last evaluated: 2024-10-06. Review status: criteria provided, single submitter. Criteria: GeneDx Variant Classification Process June 2021. Collection method: clinical testing. Allele origin: germline. Affected: yes.
Comment: Not observed at significant frequency in large population cohorts (gnomAD); In silico analysis supports that this missense variant has a deleterious effect on protein structure/function; Has not been previously published as pathogenic or benign to our knowledge; This variant is associated with the following publications: (PMID: 17531815, 21120944)

Ambry Genetics
Classification: Uncertain significance for Hereditary cancer-predisposing syndrome. Last evaluated: 2024-01-24. Review status: criteria provided, single submitter. Criteria: Ambry Variant Classification Scheme 2023. Collection method: clinical testing. Allele origin: germline.
Comment: The p.L955V variant (also known as c.2863C>G), located in coding exon 4 of the MSH6 gene, results from a C to G substitution at nucleotide position 2863. The leucine at codon 955 is replaced by valine, an amino acid with highly similar properties. This amino acid position is highly conserved in available vertebrate species. In addition, the in silico prediction for this alteration is inconclusive. Since supporting evidence is limited at this time, the clinical significance of this alteration remains unclear.

NM_000179.3(MSH6):c.2863C>G (p.Leu955Val)

Gene: MSH6 (mutS homolog 6; plus strand). Cytogenetic location: 2p16.3.
Variant type: single nucleotide variant.
Coding change: c.2863C>G on transcript NM_000179.3 (MANE Select); coding-DNA position 2863, C replaced by G.
Protein change: p.Leu955Val; replaces leucine 955 with valine.
Molecular consequence: missense variant.
Genome position (GRCh38, 1-based): chr2:47,800,846, C>G. VCF-style: chr2-47800846-C-G. GRCh37 (hg19) VCF-style: chr2-48027985-C-G.
Other names: c.2473C>G, p.Leu825Val (NM_001281492.2); c.1957C>G, p.Leu653Val (NM_001281493.2, NM_001281494.2); short protein forms L955V, L653V, L825V.
Identifiers: ClinVar variation 525768 (VCV000525768.13), dbSNP rs1401779172, ClinGen allele CA346755943.